The following is an entry in ClinVar:

ClinVar aggregate classification (germline): Likely pathogenic (1 of 4 stars; one submission).

Allele frequency attached by ClinVar (database versions not stated): gnomAD exomes below 0.00001.
gnomAD v4.1: 1 of 1,613,152 alleles (0.000062%); highest among the groups gnomAD compares: Non-Finnish European, 0.000085%; no homozygotes.

Submission:

Labcorp Genetics (formerly Invitae), Labcorp
Classification: Likely pathogenic. Last evaluated: 2024-01-25. Review status: criteria provided, single submitter. Criteria: Invitae Variant Classification Sherloc (09022015). Collection method: clinical testing. Allele origin: germline.
Comment: This sequence change affects a donor splice site in intron 30 of the C3 gene. It is expected to disrupt RNA splicing. Variants that disrupt the donor or acceptor splice site typically lead to a loss of protein function (PMID: 16199547), and loss-of-function variants in C3 are known to be pathogenic (PMID: 12462331, 14639503, 21501302). This variant is not present in population databases (gnomAD no frequency). This variant has not been reported in the literature in individuals affected with C3-related conditions. Algorithms developed to predict the effect of sequence changes on RNA splicing suggest that this variant may disrupt the consensus splice site. In summary, the currently available evidence indicates that the variant is pathogenic, but additional data are needed to prove that conclusively. Therefore, this variant has been classified as Likely Pathogenic.

Literature cited by the submitters: PubMed 16199547; PubMed 12462331; PubMed 14639503; PubMed 21501302.

NM_000064.4(C3):c.3969+2T>C

Gene: C3 (complement C3; minus strand). Cytogenetic location: 19p13.3.
Variant type: single nucleotide variant.
Coding change: c.3969+2T>C on transcript NM_000064.4 (MANE Select); the canonical splice donor site of the intron after coding-DNA position 3969, T replaced by C.
Molecular consequence: splice donor variant.
Genome position (GRCh38, 1-based): chr19:6,684,986, A>G on the plus strand (T>C on the coding strand, the complement: C3 is on the minus strand). VCF-style: chr19-6684986-A-G. GRCh37 (hg19) VCF-style: chr19-6684997-A-G.
Identifiers: ClinVar variation 2711438 (VCV002711438.3), dbSNP rs2512233215, ClinGen allele CA403618162.